The following is an entry in ClinVar:

NM_000093.5(COL5A1):c.3906+7G>A

Gene: COL5A1 (collagen type V alpha 1 chain; plus strand). Cytogenetic location: 9q34.3.
Variant type: single nucleotide variant.
Coding change: c.3906+7G>A on transcript NM_000093.5 (MANE Select); 7 bases into the intron after coding-DNA position 3906, G replaced by A.
Molecular consequence: intron variant.
Genome position (GRCh38, 1-based): chr9:134,814,043, G>A. VCF-style: chr9-134814043-G-A. GRCh37 (hg19) VCF-style: chr9-137705889-G-A.
Other names: c.3906+7G>A (NM_001278074.1).
Identifiers: ClinVar variation 529297 (VCV000529297.17), dbSNP rs200333878, ClinGen allele CA5320067.

ClinVar aggregate classification (germline): Benign/Likely benign. Review status: criteria provided, multiple submitters, no conflicts (2 of 4 stars). 3 submissions from 3 submitters: Benign (1); Likely benign (2). Last evaluated 2025-07-06.

Conditions:
Ehlers-Danlos syndrome, classic type, 1 (EDSCL1). Also called: Ehlers-Danlos Syndrome, Classic Type, COL5A1-Related; EDS I; Ehlers-Danlos syndrome, type 1; EHLERS-DANLOS SYNDROME, GRAVIS TYPE; EHLERS-DANLOS SYNDROME, SEVERE CLASSIC TYPE. Identifiers: MedGen C0268335, MONDO:0019567, OMIM 130000.

Allele frequency attached by ClinVar (database versions not stated): gnomAD 0.00003 and 0.00002; TOPMed 0.00003; gnomAD exomes 0.00005 and 0.00003; 1000 Genomes Project 30x 0.00016; 1000 Genomes Project 0.00020; ExAC 0.00006.
gnomAD v4.1: 76 of 1,550,670 alleles (0.0049%); highest among the groups gnomAD compares: Non-Finnish European, 0.0063%; no homozygotes.

Submissions (3):

Labcorp Genetics (formerly Invitae), Labcorp
Classification: Likely benign for Ehlers-Danlos syndrome, classic type, 1. Last evaluated: 2025-07-06. Review status: criteria provided, single submitter. Criteria: Invitae Variant Classification Sherloc (09022015). Collection method: clinical testing. Allele origin: germline.

Women's Health and Genetics/Laboratory Corporation of America, LabCorp
Classification: Benign. Last evaluated: 2025-04-23. Review status: criteria provided, single submitter. Criteria: LabCorp Variant Classification Summary - May 2015. Collection method: clinical testing. Allele origin: germline.
Comment: Variant summary: COL5A1 c.3906+7G>A alters a non-conserved nucleotide located at a position not widely known to affect splicing. Consensus agreement among computation tools predicts no significant impact on normal splicing. However, these predictions have yet to be confirmed by functional studies. The variant allele was found at a frequency of 4.9e-05 in 1543766 control chromosomes in the gnomAD database (v4.1 dataset). The observed variant frequency is approximately 1.6-fold of the estimated maximal expected allele frequency for a pathogenic variant in COL5A1 causing Ehlers-Danlos Syndrome phenotype (3.1e-05). To our knowledge, no occurrence of c.3906+7G>A in individuals affected with Ehlers-Danlos Syndrome and no experimental evidence demonstrating its impact on protein function have been reported. ClinVar contains an entry for this variant (Variation ID: 529297). Based on the evidence outlined above, the variant was classified as benign.

ARUP Laboratories, Molecular Genetics and Genomics, ARUP Laboratories
Classification: Likely benign. Last evaluated: 2024-02-16. Review status: criteria provided, single submitter. Criteria: ARUP Molecular Germline Variant Investigation Process 2024. Collection method: clinical testing. Allele origin: germline.